The following is an entry in ClinVar:

NM_021813.4(BACH2):c.586G>A (p.Ala196Thr)

Gene: BACH2 (BACH transcriptional regulator 2; minus strand). Cytogenetic location: 6q15.
Variant type: single nucleotide variant.
Coding change: c.586G>A on transcript NM_021813.4 (MANE Select); coding-DNA position 586, G replaced by A.
Protein change: p.Ala196Thr; replaces alanine 196 with threonine.
Molecular consequence: missense variant.
Genome position (GRCh38, 1-based): chr6:89,951,520, C>T on the plus strand (G>A on the coding strand, the complement: BACH2 is on the minus strand). VCF-style: chr6-89951520-C-T. GRCh37 (hg19) VCF-style: chr6-90661239-C-T.
Other names: c.586G>A, p.Ala196Thr (NM_001170794.2); c.586G>A (NM_021813.3); short protein forms A196T.
Identifiers: ClinVar variation 2899654 (VCV002899654.4), dbSNP rs767734937, ClinGen allele CA3928140.

ClinVar aggregate classification (germline): Uncertain significance. Review status: criteria provided, multiple submitters, no conflicts (2 of 4 stars). 2 submissions from 2 submitters: Uncertain significance (2). Last evaluated 2025-02-08.

Conditions:
BACH2-related disorder. Also called: BACH2-related condition.

Allele frequency attached by ClinVar (database versions not stated): gnomAD 0.00001; gnomAD exomes 0.00003; ExAC 0.00006.
gnomAD v4.1: 45 of 1,614,096 alleles (0.0028%); highest among the groups gnomAD compares: Admixed American, 0.005%; no homozygotes.

Submissions (2):

PreventionGenetics, part of Exact Sciences
Classification: Uncertain significance for BACH2-related condition. Last evaluated: 2025-02-08. Review status: criteria provided, single submitter. Criteria: ACMG Guidelines, 2015. Collection method: clinical testing. Allele origin: germline.
Comment: The BACH2 c.586G>A variant is predicted to result in the amino acid substitution p.Ala196Thr. To our knowledge, this variant has not been reported in the literature. This variant is reported in 0.0070% of alleles in individuals of European (Non-Finnish) descent in gnomAD. At this time, the clinical significance of this variant is uncertain due to the absence of conclusive functional and genetic evidence.

Labcorp Genetics (formerly Invitae), Labcorp
Classification: Uncertain significance. Last evaluated: 2023-06-03. Review status: criteria provided, single submitter. Criteria: Invitae Variant Classification Sherloc (09022015). Collection method: clinical testing. Allele origin: germline.
Comment: Algorithms developed to predict the effect of missense changes on protein structure and function output the following: SIFT: "Not Available"; PolyPhen-2: "Benign"; Align-GVGD: "Not Available". The threonine amino acid residue is found in multiple mammalian species, which suggests that this missense change does not adversely affect protein function. In summary, the available evidence is currently insufficient to determine the role of this variant in disease. Therefore, it has been classified as a Variant of Uncertain Significance. This sequence change replaces alanine, which is neutral and non-polar, with threonine, which is neutral and polar, at codon 196 of the BACH2 protein (p.Ala196Thr). This variant is present in population databases (rs767734937, gnomAD 0.007%). This variant has not been reported in the literature in individuals affected with BACH2-related conditions.